The following is an entry in ClinVar:

NM_001267550.2(TTN):c.84609dup (p.Ala28204fs)

Genes: TTN (titin; minus strand), TTN-AS1 (TTN antisense RNA 1; plus strand). Cytogenetic location: 2q31.2.
Variant type: Duplication.
Coding change: c.84609dup on transcript NM_001267550.2 (MANE Select); coding-DNA position 84609, one base duplicated (A; older notation c.84609dupA).
Protein change: p.Ala28204fs; shifts the reading frame from alanine 28204.
Molecular consequence: frameshift variant.
Genome position (GRCh38, 1-based): chr2:178,561,523, T duplicated on the plus strand (A on the coding strand, the reverse complement: TTN is on the minus strand); the first of 4 consecutive T bases (chr2:178,561,523-178,561,526); duplicating any one gives the same sequence. VCF-style (leftmost placement, unchanged base first): chr2-178561522-C-CT. GRCh37 (hg19) VCF-style: chr2-179426249-C-CT.
Other names: c.79686dup, p.Ala26563fs (NM_001256850.1); c.57414dup, p.Ala19139fs (NM_003319.4); c.76905dup, p.Ala25636fs (NM_133378.4); c.57789dup, p.Ala19264fs (NM_133432.3); c.57990dup, p.Ala19331fs (NM_133437.4); short protein forms A19139fs, A25636fs, A19331fs, A28204fs, A19264fs, A26563fs.
Identifiers: ClinVar variation 4786692 (VCV004786692.1).

ClinVar aggregate classification (germline): Likely pathogenic (1 of 4 stars; one submission).

Conditions:
Autosomal recessive limb-girdle muscular dystrophy type 2J (LGMDR10). Also called: Limb-girdle muscular dystrophy, type 2J; MUSCULAR DYSTROPHY, LIMB-GIRDLE, AUTOSOMAL RECESSIVE 10. Identifiers: Orphanet 140922, MedGen C1837342, MONDO:0012127, OMIM 608807.
Dilated cardiomyopathy 1G (CMD1G). Identifiers: Orphanet 154, MedGen C1858763, MONDO:0011400, OMIM 604145.

Submission:

Labcorp Genetics (formerly Invitae), Labcorp
Classification: Likely pathogenic for Dilated cardiomyopathy 1G; Autosomal recessive limb-girdle muscular dystrophy type 2J. Last evaluated: 2025-11-12. Review status: criteria provided, single submitter. Criteria: Invitae Variant Classification Sherloc (09022015). Collection method: clinical testing. Allele origin: germline.
Comment: This sequence change creates a premature translational stop signal (p.Ala28204Serfs*3) in the TTN gene. While this is not anticipated to result in nonsense mediated decay, it is expected to create a truncated TTN protein. This variant is not present in population databases (gnomAD no frequency). This variant has not been reported in the literature in individuals affected with TTN-related conditions. This variant is located in the A band of TTN (PMID: 25589632). Truncating variants in this region are significantly overrepresented in patients affected with dilated cardiomyopathy (PMID: 25589632). Truncating variants in this region have also been reported in individuals affected with autosomal recessive centronuclear myopathy (PMID: 23975875). In summary, the currently available evidence indicates that the variant is pathogenic, but additional data are needed to prove that conclusively. Therefore, this variant has been classified as Likely Pathogenic.

Literature cited by the submitters: PubMed 25589632; PubMed 23975875.